The following is an entry in ClinVar:

NM_000051.4(ATM):c.337C>T (p.Pro113Ser)

Gene: ATM (ATM serine/threonine kinase; plus strand). Cytogenetic location: 11q22.3.
Variant type: single nucleotide variant.
Coding change: c.337C>T on transcript NM_000051.4 (MANE Select); coding-DNA position 337, C replaced by T.
Protein change: p.Pro113Ser; replaces proline 113 with serine.
Molecular consequence: missense variant.
Genome position (GRCh38, 1-based): chr11:108,235,675, C>T. VCF-style: chr11-108235675-C-T. GRCh37 (hg19) VCF-style: chr11-108106402-C-T.
Other names: c.337C>T, p.Pro113Ser (NM_001351834.2); c.337C>T (NM_000051.2); short protein forms P113S.
Identifiers: ClinVar variation 407684 (VCV000407684.23), dbSNP rs1060501678, ClinGen allele CA16612971.

ClinVar aggregate classification (germline): Uncertain significance. Review status: criteria provided, multiple submitters, no conflicts (2 of 4 stars). 6 submissions from 6 submitters: Uncertain significance (5). 1 of the submissions does not count toward it. Last evaluated 2025-12-08.

Conditions:
Familial cancer of breast. Also called: Hereditary breast cancer; hereditary breast carcinoma; BREAST CANCER, FAMILIAL. Identifiers: Orphanet 227535, MedGen C0346153, MONDO:0016419, OMIM 114480. Disease mechanism: loss of function.
Ataxia-telangiectasia syndrome (AT). Also called: Ataxia telangiectasia (A-T); LOUIS-BAR SYNDROME; Cerebello-oculocutaneous telangiectasia; Immunodeficiency with ataxia telangiectasia; Ataxia-telangiectasia, complementation group D; AT, COMPLEMENTATION GROUP C. Identifiers: Orphanet 100, MedGen C0004135, MONDO:0008840, OMIM 208900.
Hereditary cancer-predisposing syndrome. Also called: Hereditary neoplastic syndrome; Neoplastic Syndromes, Hereditary; Tumor predisposition; Hereditary Cancer Syndrome. Identifiers: Orphanet 140162, MedGen C0027672, MeSH D009386, MONDO:0015356.

Allele frequency attached by ClinVar (database versions not stated): gnomAD 0.00001.

Submissions (6):

Labcorp Genetics (formerly Invitae), Labcorp
Classification: Uncertain significance for Ataxia-telangiectasia syndrome. Last evaluated: 2025-12-08. Review status: criteria provided, single submitter. Criteria: Invitae Variant Classification Sherloc (09022015). Collection method: clinical testing. Allele origin: germline.
Comment: This sequence change replaces proline, which is neutral and non-polar, with serine, which is neutral and polar, at codon 113 of the ATM protein (p.Pro113Ser). This variant is not present in population databases (gnomAD no frequency). This variant has not been reported in the literature in individuals affected with ATM-related conditions. ClinVar contains an entry for this variant (Variation ID: 407684). Invitae Evidence Modeling of protein sequence and biophysical properties (such as structural, functional, and spatial information, amino acid conservation, physicochemical variation, residue mobility, and thermodynamic stability) has been performed for this missense variant. However, the output from this modeling did not meet the statistical confidence thresholds required to predict the impact of this variant on ATM protein function. In summary, the available evidence is currently insufficient to determine the role of this variant in disease. Therefore, it has been classified as a Variant of Uncertain Significance.

Ambry Genetics
Classification: Uncertain significance for Hereditary cancer-predisposing syndrome. Last evaluated: 2025-02-25. Review status: criteria provided, single submitter. Criteria: Ambry Variant Classification Scheme 2023. Collection method: clinical testing. Allele origin: germline.
Comment: The p.P113S variant (also known as c.337C>T), located in coding exon 4 of the ATM gene, results from a C to T substitution at nucleotide position 337. The proline at codon 113 is replaced by serine, an amino acid with similar properties. This amino acid position is highly conserved in available vertebrate species. In addition, this alteration is predicted to be deleterious by in silico analysis. Based on the available evidence, the clinical significance of this variant remains unclear.

Baylor Genetics
Classification: Uncertain significance for Familial cancer of breast. Last evaluated: 2023-08-12. Review status: criteria provided, single submitter. Criteria: ACMG Guidelines, 2015. Collection method: clinical testing. Allele origin: unknown.

Color Diagnostics, LLC DBA Color Health
Classification: Uncertain significance for Hereditary cancer-predisposing syndrome. Last evaluated: 2023-05-12. Review status: criteria provided, single submitter. Criteria: ACMG Guidelines, 2015. Collection method: clinical testing. Allele origin: germline.
Comment: This missense variant replaces proline with serine at codon 113 of the ATM protein. Computational prediction suggests that this variant may not impact protein structure and function (internally defined REVEL score threshold <= 0.5, PMID: 27666373). To our knowledge, functional studies have not been reported for this variant. This variant has not been reported in individuals affected with ATM-related disorders in the literature. This variant has not been identified in the general population by the Genome Aggregation Database (gnomAD). The available evidence is insufficient to determine the role of this variant in disease conclusively. Therefore, this variant is classified as a Variant of Uncertain Significance.

Department of Pathology and Laboratory Medicine, Sinai Health System
Classification: Uncertain significance for Familial cancer of breast. Last evaluated: 2023-03-30. Review status: criteria provided, single submitter. Criteria: ACMG Guidelines, 2015. Collection method: clinical testing. Allele origin: germline. Affected: yes.

Natera, Inc.
Classification: Uncertain significance for Ataxia-telangiectasia. Last evaluated: 2020-07-21. Review status: no assertion criteria provided. Collection method: clinical testing. Allele origin: germline. Not counted in ClinVar's aggregate classification.